The following is an entry in ClinVar:

ClinVar aggregate classification (germline): Uncertain significance (1 of 4 stars; one submission).

Conditions:
Surfactant metabolism dysfunction, pulmonary, 4 (SMDP4). Also called: CSF2RA DEFICIENCY; PAP DUE TO CSF2RA DEFICIENCY; PULMONARY ALVEOLAR PROTEINOSIS, CONGENITAL, 4. Identifiers: Orphanet 264675, MedGen C2677877, MONDO:0010424, OMIM 300770.

Submission:

Labcorp Genetics (formerly Invitae), Labcorp
Classification: Uncertain significance for Surfactant metabolism dysfunction, pulmonary, 4. Last evaluated: 2018-11-30. Review status: criteria provided, single submitter. Criteria: Invitae Variant Classification Sherloc (09022015). Collection method: clinical testing. Allele origin: germline.
Comment: In summary, the available evidence is currently insufficient to determine the role of this variant in disease. Therefore, it has been classified as a Variant of Uncertain Significance. Algorithms developed to predict the effect of missense changes on protein structure and function are either unavailable or do not agree on the potential impact of this missense change (SIFT: "Deleterious"; PolyPhen-2: "Probably Damaging"; Align-GVGD: "Class C0"). This variant has not been reported in the literature in individuals with CSF2RA-related conditions. This variant is not present in population databases (ExAC no frequency). This sequence change replaces leucine with phenylalanine at codon 304 of the CSF2RA protein (p.Leu304Phe). The leucine residue is weakly conserved and there is a small physicochemical difference between leucine and phenylalanine.

NM_172245.4(CSF2RA):c.912G>C (p.Leu304Phe)

Gene: CSF2RA (colony stimulating factor 2 receptor subunit alpha; plus strand). Cytogenetic location: Xp22.33.
Variant type: single nucleotide variant.
Coding change: c.912G>C on transcript NM_172245.4 (MANE Select); coding-DNA position 912, G replaced by C.
Protein change: p.Leu304Phe; replaces leucine 304 with phenylalanine.
Molecular consequence: missense variant. On other transcripts: intron variant (2).
Genome position (GRCh38, 1-based): chrX:1,300,592, G>C. VCF-style: chrX-1300592-G-C. GRCh37 (hg19) VCF-style: chrX-1419485-G-C.
Other names: c.912G>C, p.Leu304Phe (NM_001161529.2, NM_001161530.2, NM_001161531.2 and 17 more transcripts); c.513G>C, p.Leu171Phe (NM_001161532.2); c.882G>C, p.Leu294Phe (NM_001379160.1); c.647-4854G>C (NM_172249.4); c.854+1527G>C (NM_001379166.1); short protein forms L304F, L171F, L294F.
Identifiers: ClinVar variation 641107 (VCV000641107.8), dbSNP rs764261104, ClinGen allele CA412236456.